The following is an entry in ClinVar:

NM_017671.5(FERMT1):c.*2058C>T

Gene: FERMT1 (FERM domain containing kindlin 1; minus strand). Cytogenetic location: 20p12.3.
Variant type: single nucleotide variant.
Coding change: c.*2058C>T on transcript NM_017671.5 (MANE Select); 2058 bases downstream of the stop codon, C replaced by T.
Molecular consequence: 3 prime UTR variant.
Genome position (GRCh38, 1-based): chr20:6,075,115, G>A on the plus strand (C>T on the coding strand, the complement: FERMT1 is on the minus strand). VCF-style: chr20-6075115-G-A. GRCh37 (hg19) VCF-style: chr20-6055762-G-A.
Identifiers: ClinVar variation 339176 (VCV000339176.6), dbSNP rs12945, ClinGen allele CA10652746.

ClinVar aggregate classification (germline): Benign. Review status: criteria provided, multiple submitters, no conflicts (2 of 4 stars). 2 submissions from 2 submitters: Benign (2). Last evaluated 2018-01-12.

Conditions:
Kindler syndrome (KNDLRS). Also called: BULLOUS ACROKERATOTIC POIKILODERMA OF KINDLER AND WEARY; POIKILODERMA, CONGENITAL, WITH BULLAE, WEARY TYPE; POIKILODERMA, HEREDITARY ACROKERATOTIC; Hereditary acrokeratotic poikiloderma of Weary; Poikiloderma of Kindler; Congenital bullous poikiloderma. Identifiers: Orphanet 2908, Orphanet 306539, MedGen C0406557, MONDO:0008260, OMIM 173650.

Allele frequency attached by ClinVar (database versions not stated): gnomAD exomes 0.18382; gnomAD 0.22416 and 0.22917; 1000 Genomes Project 30x 0.28998; 1000 Genomes Project 0.30192; TOPMed 0.24230.
gnomAD v4.1: 34,140 of 148,910 alleles (23%); highest among the groups gnomAD compares: East Asian, 55%; 4,312 homozygotes.

Submissions (2):

Illumina Laboratory Services, Illumina
Classification: Benign for Kindler syndrome. Last evaluated: 2018-01-12. Review status: criteria provided, single submitter. Criteria: ICSL Variant Classification Criteria 13 December 2019. Collection method: clinical testing. Allele origin: germline.
Comment: This variant was observed in the ICSL laboratory as part of a predisposition screen in an ostensibly healthy population. It had not been previously curated by ICSL or reported in the Human Gene Mutation Database (HGMD: prior to June 1st, 2018), and was therefore a candidate for classification through an automated scoring system. Utilizing variant allele frequency, disease prevalence and penetrance estimates, and inheritance mode, an automated score was calculated to assess if this variant is too frequent to cause the disease. Based on the score and internal cut-off values, a variant classified as benign is not then subjected to further curation. The score for this variant resulted in a classification of benign for this disease.

Breakthrough Genomics
Classification: Benign. Review status: criteria provided, single submitter. Criteria: ACMG Guidelines, 2015. Collection method: not provided. Allele origin: germline. Inheritance: Autosomal recessive inheritance. Affected: yes.